The following is an entry in ClinVar:

NM_213655.5(WNK1):c.3145A>G (p.Asn1049Asp)

Gene: WNK1 (WNK lysine deficient protein kinase 1; plus strand). Cytogenetic location: 12p13.33.
Variant type: single nucleotide variant.
Coding change: c.3145A>G on transcript NM_213655.5 (MANE Plus Clinical); coding-DNA position 3145, A replaced by G.
Protein change: p.Asn1049Asp; replaces asparagine 1049 with aspartic acid.
Molecular consequence: missense variant. On other transcripts: intron variant (2).
Genome position (GRCh38, 1-based): chr12:868,616, A>G. VCF-style: chr12-868616-A-G. GRCh37 (hg19) VCF-style: chr12-977782-A-G.
Other names: c.2890A>G, p.Asn964Asp (NM_001184985.2); c.2140-2649A>G (NM_018979.4, NM_014823.3); short protein forms N1049D, N964D.
Identifiers: ClinVar variation 3751120 (VCV003751120.2).
Genomic context (GRCh38, chr12:868,616, plus strand): 5'-CCTGTCTTTGTTCCTCATTCTGCGCCTGCTGTGTTAACTCATAACAATGAGAGCAGAAGC[A>G]ACTGTGTATTTGAATTTCATGTTCACACACCAAGCTCCTCTTCAGGAGAAGGAGGTGGAA-3'
Protein context (NP_998820.3, residues 1039-1059): VLTHNNESRS[Asn1049Asp]CVFEFHVHTP

ClinVar aggregate classification (germline): Uncertain significance (1 of 4 stars; one submission).

Conditions:
Neuropathy, hereditary sensory and autonomic, type 2A (HSAN2A). Also called: ACROOSTEOLYSIS, GIACCAI TYPE; ACROOSTEOLYSIS, NEUROGENIC; MORVAN DISEASE; NEUROPATHY, CONGENITAL SENSORY; NEUROPATHY, HEREDITARY SENSORY RADICULAR, AUTOSOMAL RECESSIVE; NEUROPATHY, HEREDITARY SENSORY, TYPE IIA. Identifiers: Orphanet 970, MedGen C2752089, MONDO:0024309, OMIM 201300.
Pseudohypoaldosteronism type 2C (PHA2C). Also called: Pseudohypoaldosteronism Type IIC. Identifiers: Orphanet 757, Orphanet 88940, MedGen C1840391, MONDO:0013778, OMIM 614492.

gnomAD v4.1: 1 of 1,614,004 alleles (0.000062%); highest among the groups gnomAD compares: Non-Finnish European, 0.000085%; no homozygotes.

Submission:

Labcorp Genetics (formerly Invitae), Labcorp
Classification: Uncertain significance for Neuropathy, hereditary sensory and autonomic, type 2A; Pseudohypoaldosteronism type 2C. Last evaluated: 2024-10-30. Review status: criteria provided, single submitter. Criteria: Invitae Variant Classification Sherloc (09022015). Collection method: clinical testing. Allele origin: germline.
Comment: This sequence change replaces asparagine, which is neutral and polar, with aspartic acid, which is acidic and polar, at codon 1049 of the WNK1 protein (p.Asn1049Asp). This variant is not present in population databases (gnomAD no frequency). This variant has not been reported in the literature in individuals affected with WNK1-related conditions. Invitae Evidence Modeling of protein sequence and biophysical properties (such as structural, functional, and spatial information, amino acid conservation, physicochemical variation, residue mobility, and thermodynamic stability) indicates that this missense variant is not expected to disrupt WNK1 protein function with a negative predictive value of 95%. In summary, the available evidence is currently insufficient to determine the role of this variant in disease. Therefore, it has been classified as a Variant of Uncertain Significance.